The following is an entry in ClinVar:

ClinVar aggregate classification (germline): Uncertain significance. Review status: criteria provided, multiple submitters, no conflicts (2 of 4 stars). 2 submissions from 2 submitters: Uncertain significance (2). Last evaluated 2023-08-09.

Conditions:
Malignant hyperthermia, susceptibility to, 1 (MHS1). Also called: RYR1-Related Malignant Hyperthermia Susceptibility; Anesthesia related hyperthermia; Malignant hyperpyrexia; Fulminating hyperpyrexia; Pharmacogenic myopathy; Malignant hyperthermia suceptibility 1. Identifiers: Orphanet 423, MedGen C2930980, MONDO:0007783, OMIM 145600.
RYR1-related disorder. Also called: RYR1-related condition; RYR1-related disorders. Identifiers: MedGen CN239331.

Allele frequency attached by ClinVar (database versions not stated): gnomAD exomes below 0.00001; TOPMed below 0.00001; ExAC 0.00001; gnomAD 0.00001; 1000 Genomes Project 30x 0.00016; 1000 Genomes Project 0.00020.

Submissions (2):

Color Diagnostics, LLC DBA Color Health
Classification: Uncertain significance for Malignant hyperthermia, susceptibility to, 1. Last evaluated: 2023-08-09. Review status: criteria provided, single submitter. Criteria: ACMG Guidelines, 2015. Collection method: clinical testing. Allele origin: germline.
Comment: This missense variant replaces glutamine with arginine at codon 2892 of the RYR1 protein. Computational prediction suggests that this variant may not impact protein structure and function (internally defined REVEL score threshold <= 0.5, PMID: 27666373). To our knowledge, functional studies have not been reported for this variant. This variant has not been reported in individuals affected with RYR1-related disorders in the literature. This variant has been identified in 1/249948 chromosomes in the general population by the Genome Aggregation Database (gnomAD). The available evidence is insufficient to determine the role of this variant in disease conclusively. Therefore, this variant is classified as a Variant of Uncertain Significance.

Labcorp Genetics (formerly Invitae), Labcorp
Classification: Uncertain significance for RYR1-related disorder. Last evaluated: 2022-07-03. Review status: criteria provided, single submitter. Criteria: Invitae Variant Classification Sherloc (09022015). Collection method: clinical testing. Allele origin: germline.
Comment: This sequence change replaces glutamine, which is neutral and polar, with arginine, which is basic and polar, at codon 2892 of the RYR1 protein (p.Gln2892Arg). This variant is present in population databases (rs573517646, gnomAD 0.003%). This variant has not been reported in the literature in individuals affected with RYR1-related conditions. ClinVar contains an entry for this variant (Variation ID: 1519355). Advanced modeling of protein sequence and biophysical properties (such as structural, functional, and spatial information, amino acid conservation, physicochemical variation, residue mobility, and thermodynamic stability) performed at Invitae indicates that this missense variant is not expected to disrupt RYR1 protein function. In summary, the available evidence is currently insufficient to determine the role of this variant in disease. Therefore, it has been classified as a Variant of Uncertain Significance.

NM_000540.3(RYR1):c.8675A>G (p.Gln2892Arg)

Gene: RYR1 (ryanodine receptor 1; plus strand). Cytogenetic location: 19q13.2.
Variant type: single nucleotide variant.
Coding change: c.8675A>G on transcript NM_000540.3 (MANE Select); coding-DNA position 8675, A replaced by G.
Protein change: p.Gln2892Arg; replaces glutamine 2892 with arginine.
Molecular consequence: missense variant.
Genome position (GRCh38, 1-based): chr19:38,506,529, A>G. VCF-style: chr19-38506529-A-G. GRCh37 (hg19) VCF-style: chr19-38997169-A-G.
Other names: c.8675A>G, p.Gln2892Arg (NM_001042723.2); short protein forms Q2892R.
Identifiers: ClinVar variation 1519355 (VCV001519355.4), dbSNP rs573517646, ClinGen allele CA072467.